The following is an entry in ClinVar:

NM_000391.4(TPP1):c.90-44C>T

Gene: TPP1 (tripeptidyl peptidase 1; minus strand). Cytogenetic location: 11p15.4.
Variant type: single nucleotide variant.
Coding change: c.90-44C>T on transcript NM_000391.4 (MANE Select); 44 bases into the intron before coding-DNA position 90, C replaced by T.
Molecular consequence: intron variant.
Genome position (GRCh38, 1-based): chr11:6,618,959, G>A on the plus strand (C>T on the coding strand, the complement: TPP1 is on the minus strand). VCF-style: chr11-6618959-G-A. GRCh37 (hg19) VCF-style: chr11-6640190-G-A.
Identifiers: ClinVar variation 674331 (VCV000674331.1), dbSNP rs147191379, ClinGen allele CA5859057.
Genomic context (GRCh38, chr11:6,618,959, plus strand): 5'-CCCAGCCTGGGGGCAGCCTGTAGGGTCAGGGGTCAGGGACATGGCTTTGGTTAGGGTGGA[G>A]ATGGAAAATATTGGTCATGGAAGGTTCCAGATTAGGAGCTGAGACCTTGGGGAGGATCCT-3'

ClinVar aggregate classification (germline): Likely benign (1 of 4 stars; one submission).

Allele frequency attached by ClinVar (database versions not stated): gnomAD exomes 0.00080; ExAC 0.00091; 1000 Genomes Project 0.00140; 1000 Genomes Project 30x 0.00141; gnomAD 0.00313 and 0.00348; TOPMed 0.00362; ESP Exome Variant Server 0.00369.
gnomAD v4.1: 965 of 1,607,988 alleles (0.06%); highest among the groups gnomAD compares: African/African-American, 1.1%; 4 homozygotes.

Submission:

GeneDx
Classification: Likely benign. Last evaluated: 2018-06-19. Review status: criteria provided, single submitter. Criteria: GeneDx Variant Classification (06012015). Collection method: clinical testing. Allele origin: germline. Affected: yes.
Comment: This variant is considered likely benign or benign based on one or more of the following criteria: it is a conservative change, it occurs at a poorly conserved position in the protein, it is predicted to be benign by multiple in silico algorithms, and/or has population frequency not consistent with disease.